The following is an entry in ClinVar:

ClinVar aggregate classification (germline): Uncertain significance (1 of 4 stars; one submission).

Conditions:
Hereditary sensory and autonomic neuropathy type 6. Also called: HSAN VI; Neuropathy, hereditary sensory and autonomic, type VI. Identifiers: Orphanet 314381, MedGen C3539003, MONDO:0013839, OMIM 614653.
Epidermolysis bullosa simplex 3, localized or generalized intermediate, with BP230 deficiency (EBS3). Also called: Epidermolysis bullosa simplex, autosomal recessive 2; Epidermolysis bullosa simplex due to BP230 deficiency. Identifiers: Orphanet 412181, MedGen C3809470, MONDO:0014180, OMIM 615425.

Submission:

Labcorp Genetics (formerly Invitae), Labcorp
Classification: Uncertain significance for Epidermolysis bullosa simplex 3, localized or generalized intermediate, with BP230 deficiency; Hereditary sensory and autonomic neuropathy type 6. Last evaluated: 2021-03-23. Review status: criteria provided, single submitter. Criteria: Invitae Variant Classification Sherloc (09022015). Collection method: clinical testing. Allele origin: germline.
Comment: In summary, the available evidence is currently insufficient to determine the role of this variant in disease. Therefore, it has been classified as a Variant of Uncertain Significance. This sequence change replaces glutamic acid with glycine at codon 3698 of the DST protein (p.Glu3698Gly). The DST gene has multiple clinically relevant transcripts. This variant occurs in alternate transcript NM_015548.4, and corresponds to NM_001723.5:c.*105825A>G in the primary transcript. This variant is not present in population databases (ExAC no frequency). This variant has not been reported in the literature in individuals with DST-related conditions. Experimental studies and prediction algorithms are not available or were not evaluated, and the functional significance of this variant is currently unknown.

NM_001374736.1(DST):c.18962A>G (p.Glu6321Gly)

Gene: DST (dystonin; minus strand). Cytogenetic location: 6p12.1.
Variant type: single nucleotide variant.
Coding change: c.18962A>G on transcript NM_001374736.1 (MANE Select); coding-DNA position 18962, A replaced by G.
Protein change: p.Glu6321Gly; replaces glutamic acid 6321 with glycine.
Molecular consequence: missense variant.
Genome position (GRCh38, 1-based): chr6:56,509,692, T>C on the plus strand (A>G on the coding strand, the complement: DST is on the minus strand). VCF-style: chr6-56509692-T-C. GRCh37 (hg19) VCF-style: chr6-56374490-T-C.
Other names: c.12605A>G, p.Glu4202Gly (NM_001144769.5); c.12191A>G, p.Glu4064Gly (NM_001144770.2); c.18962A>G, p.Glu6321Gly (NM_001374722.1); c.18002A>G, p.Glu6001Gly (NM_001374729.1); c.11744A>G, p.Glu3915Gly (NM_001374730.1); c.18989A>G, p.Glu6330Gly (NM_001374734.1); c.12071A>G, p.Glu4024Gly (NM_001386100.1, NM_183380.4); c.11093A>G, p.Glu3698Gly (NM_015548.5); short protein forms E3698G, E3915G, E4024G, E6001G, E4064G, E4202G, E6321G, E6330G.
Identifiers: ClinVar variation 1476053 (VCV001476053.6), dbSNP rs2152473767, ClinGen allele CA364523948.